The following is an entry in ClinVar:

NM_024747.6(HPS6):c.1539del (p.Pro514fs)

Gene: HPS6 (HPS6 biogenesis of lysosomal organelles complex 2 subunit 3; plus strand). Cytogenetic location: 10q24.32.
Variant type: Deletion.
Coding change: c.1539del on transcript NM_024747.6 (MANE Select); coding-DNA position 1539, one base deleted (T; older notation c.1539delT).
Protein change: p.Pro514fs; shifts the reading frame from proline 514.
Molecular consequence: frameshift variant.
Genome position (GRCh38, 1-based): chr10:102,067,013, T deleted; the last of 2 consecutive T bases (chr10:102,067,012-102,067,013); deleting either gives the same sequence. VCF-style (leftmost placement, unchanged base first): chr10-102067011-CT-C. GRCh37 (hg19) VCF-style: chr10-103826768-CT-C.
Other names: short protein forms P514fs.
Identifiers: ClinVar variation 4769800 (VCV004769800.1).

ClinVar aggregate classification (germline): Pathogenic (1 of 4 stars; one submission).

Submission:

Labcorp Genetics (formerly Invitae), Labcorp
Classification: Pathogenic. Last evaluated: 2025-05-13. Review status: criteria provided, single submitter. Criteria: Invitae Variant Classification Sherloc (09022015). Collection method: clinical testing. Allele origin: germline.
Comment: This sequence change creates a premature translational stop signal (p.Pro514Leufs*16) in the HPS6 gene. While this is not anticipated to result in nonsense mediated decay, it is expected to disrupt the last 262 amino acid(s) of the HPS6 protein. This variant is not present in population databases (gnomAD no frequency). This variant has not been reported in the literature in individuals affected with HPS6-related conditions. This variant disrupts a region of the HPS6 protein in which other variant(s) (p.Gln680*) have been determined to be pathogenic (PMID: 27225848, 29054114, 31141302). This suggests that this is a clinically significant region of the protein, and that variants that disrupt it are likely to be disease-causing. For these reasons, this variant has been classified as Pathogenic.

Literature cited by the submitters: PubMed 27225848; PubMed 29054114; PubMed 31141302.